The following is an entry in ClinVar:

NM_000426.4(LAMA2):c.30_32del (p.Leu13del)

Gene: LAMA2 (laminin subunit alpha 2; plus strand). Cytogenetic location: 6q22.33.
Variant type: Deletion.
Coding change: c.30_32del on transcript NM_000426.4 (MANE Select); coding-DNA positions 30 to 32, 3 bases deleted (TCT; older notation c.30_32delTCT).
Protein change: p.Leu13del; deletes leucine 13.
Molecular consequence: inframe deletion.
Genome position (GRCh38, 1-based): chr6:128,883,275-128,883,277, TCT deleted; deleting any 3 consecutive bases within chr6:128,883,273-128,883,277 gives the same sequence; the c. name uses the placement nearest the transcript's 3' end. VCF-style (leftmost placement, unchanged base first): chr6-128883272-CCTT-C. GRCh37 (hg19) VCF-style: chr6-129204417-CCTT-C.
Other names: c.30_32delTCT (NM_000426.3); c.30_32del, p.Leu13del (NM_001079823.2); short protein forms L13del.
Identifiers: ClinVar variation 554332 (VCV000554332.9), dbSNP rs1278217420, ClinGen allele CA570122375.

ClinVar aggregate classification (germline): Uncertain significance. Review status: criteria provided, single submitter (1 of 4 stars). 2 submissions from 2 submitters: Uncertain significance (1). 1 of the submissions does not count toward it. Last evaluated 2022-03-09.

Conditions:
LAMA2-related muscular dystrophy (LAMA2-RD). Also called: Laminin alpha 2-related dystrophy. Identifiers: MedGen C5679788, MONDO:0100228.
Merosin deficient congenital muscular dystrophy (MDC1A). Also called: Congenital Muscular Dystrophy Type 1A (MDC1A); Congenital merosin-deficient muscular dystrophy 1A. Identifiers: Orphanet 258, MedGen C1263858, MONDO:0011925, OMIM 607855.

Submissions (2):

Labcorp Genetics (formerly Invitae), Labcorp
Classification: Uncertain significance for LAMA2-related muscular dystrophy. Last evaluated: 2022-03-09. Review status: criteria provided, single submitter. Criteria: Invitae Variant Classification Sherloc (09022015). Collection method: clinical testing. Allele origin: germline.
Comment: This variant, c.30_32del, results in the deletion of 1 amino acid(s) of the LAMA2 protein (p.Leu13del), but otherwise preserves the integrity of the reading frame. This variant is present in population databases (no rsID available, gnomAD 0.01%). This variant has not been reported in the literature in individuals affected with LAMA2-related conditions. ClinVar contains an entry for this variant (Variation ID: 554332). Experimental studies and prediction algorithms are not available or were not evaluated, and the functional significance of this variant is currently unknown. In summary, the available evidence is currently insufficient to determine the role of this variant in disease. Therefore, it has been classified as a Variant of Uncertain Significance.

Counsyl
Classification: Uncertain significance for Merosin deficient congenital muscular dystrophy. Last evaluated: 2017-10-16. Review status: no assertion criteria provided. Collection method: clinical testing. Allele origin: unknown. Not counted in ClinVar's aggregate classification.